The following is an entry in ClinVar:

NM_012179.4(FBXO7):c.1053C>T (p.Ser351=)

Gene: FBXO7 (F-box protein 7; plus strand). Cytogenetic location: 22q12.3.
Variant type: single nucleotide variant.
Coding change: c.1053C>T on transcript NM_012179.4 (MANE Select); coding-DNA position 1053, C replaced by T.
Protein change: p.Ser351=; no amino-acid change (serine 351 retained).
Molecular consequence: synonymous variant.
Genome position (GRCh38, 1-based): chr22:32,493,190, C>T. VCF-style: chr22-32493190-C-T. GRCh37 (hg19) VCF-style: chr22-32889177-C-T.
Other names: c.816C>T, p.Ser272= (NM_001033024.2); c.711C>T, p.Ser237= (NM_001257990.2).
Identifiers: ClinVar variation 2873863 (VCV002873863.16), dbSNP rs1249945609, ClinGen allele CA514300601.
Genomic context (GRCh38, chr22:32,493,190, plus strand): 5'-GTTGGTCGTCCTCCCATTGGAACTGAAACTACGGATCTTCCGACTTCTGGATGTTCGTTC[C>T]GTCTTGTCTTTGTCTGCGGTTTGTCGTGACCTCTTTACTGCTTCAAATGACCCACTCCTG-3'
Protein context (NP_036311.3, residues 341-361): LRIFRLLDVR[Ser351=]VLSLSAVCRD

ClinVar aggregate classification (germline): Likely benign. Review status: criteria provided, multiple submitters, no conflicts (2 of 4 stars). 2 submissions from 2 submitters: Likely benign (2). Last evaluated 2025-08-01.

Conditions:
Parkinsonian-pyramidal syndrome. Also called: PARKINSON DISEASE 15, AUTOSOMAL RECESSIVE EARLY-ONSET; PARKINSON DISEASE 15, AUTOSOMAL RECESSIVE; PALLIDOPYRAMIDAL SYNDROME. Identifiers: Orphanet 171695, MedGen C1850100, MONDO:0009830, OMIM 260300.

Allele frequency attached by ClinVar (database versions not stated): gnomAD 0.00003; TOPMed 0.00003.
gnomAD v4.1: 16 of 1,614,010 alleles (0.00099%); highest among the groups gnomAD compares: African/African-American, 0.0027%; 1 homozygote.

Submissions (2):

CeGaT Center for Human Genetics Tuebingen
Classification: Likely benign. Last evaluated: 2025-08-01. Review status: criteria provided, single submitter. Criteria: CeGaT Center For Human Genetics Tuebingen Variant Classification Criteria Version 2. Collection method: clinical testing. Allele origin: germline. Affected: yes. Observed: 2 variant alleles.
Comment: FBXO7: BP4, BP7

Labcorp Genetics (formerly Invitae), Labcorp
Classification: Likely benign for Parkinsonian-pyramidal syndrome. Last evaluated: 2023-09-19. Review status: criteria provided, single submitter. Criteria: Invitae Variant Classification Sherloc (09022015). Collection method: clinical testing. Allele origin: germline.